The following is an entry in ClinVar:

NM_001365951.3(KIF1B):c.5324G>T (p.Arg1775Leu)

Gene: KIF1B (kinesin family member 1B; plus strand). Cytogenetic location: 1p36.22.
Variant type: single nucleotide variant.
Coding change: c.5324G>T on transcript NM_001365951.3 (MANE Select); coding-DNA position 5324, G replaced by T.
Protein change: p.Arg1775Leu; replaces arginine 1775 with leucine.
Molecular consequence: missense variant.
Genome position (GRCh38, 1-based): chr1:10,375,289, G>T. VCF-style: chr1-10375289-G-T. GRCh37 (hg19) VCF-style: chr1-10435347-G-T.
Other names: c.5324G>T, p.Arg1775Leu (NM_001365952.1); c.5186G>T, p.Arg1729Leu (NM_015074.3); short protein forms R1775L, R1729L.
Identifiers: ClinVar variation 2839805 (VCV002839805.3), dbSNP rs374303355, ClinGen allele CA338331785.
Genomic context (GRCh38, chr1:10,375,289, plus strand): 5'-CTTGTCTACCTGCATTTTTCTTTCAGACACCAAACACCTTTGCTGTCTGCACAAAGCACC[G>T]TGGGGTCCTTTTGCAGGCCCTCAATGACAAAGACATGAACGACTGGTTGTATGCCTTCAA-3'
Protein context (NP_001352880.1, residues 1765-1785): PNTFAVCTKH[Arg1775Leu]GVLLQALNDK

ClinVar aggregate classification (germline): Uncertain significance (1 of 4 stars; one submission).

Conditions:
Charcot-Marie-Tooth disease type 2. Also called: Charcot-Marie-Tooth type 2. Identifiers: Orphanet 64746, MedGen C0270914, MONDO:0018993.

Submission:

Labcorp Genetics (formerly Invitae), Labcorp
Classification: Uncertain significance for Charcot-Marie-Tooth disease type 2. Last evaluated: 2023-03-07. Review status: criteria provided, single submitter. Criteria: Invitae Variant Classification Sherloc (09022015). Collection method: clinical testing. Allele origin: germline.
Comment: This sequence change replaces arginine, which is basic and polar, with leucine, which is neutral and non-polar, at codon 1729 of the KIF1B protein (p.Arg1729Leu). This variant is not present in population databases (gnomAD no frequency). This variant has not been reported in the literature in individuals affected with KIF1B-related conditions. An algorithm developed to predict the effect of missense changes on protein structure and function (PolyPhen-2) suggests that this variant is likely to be disruptive. In summary, the available evidence is currently insufficient to determine the role of this variant in disease. Therefore, it has been classified as a Variant of Uncertain Significance.